The following is an entry in ClinVar:

ClinVar aggregate classification (germline): Uncertain significance. Review status: criteria provided, multiple submitters, no conflicts (2 of 4 stars). 3 submissions from 3 submitters: Uncertain significance (3). Last evaluated 2026-03-03.

Conditions:
SIX5-related disorder. Also called: SIX5-related condition.

gnomAD v4.1: 15 of 1,613,450 alleles (0.00093%); highest among the groups gnomAD compares: Admixed American, 0.0033%; no homozygotes.

Submissions (3):

PreventionGenetics, part of Exact Sciences
Classification: Uncertain significance for SIX5-related condition. Last evaluated: 2026-03-03. Review status: criteria provided, single submitter. Criteria: ACMG Guidelines, 2015. Collection method: clinical testing. Allele origin: germline.
Comment: The SIX5 c.2165C>G variant is predicted to result in the amino acid substitution p.Ala722Gly. To our knowledge, this variant has not been reported in the literature. This variant is reported in 0.0058% of alleles in individuals of Latino descent in gnomAD. At this time, the clinical significance of this variant is uncertain due to the absence of conclusive functional and genetic evidence.

Ambry Genetics
Classification: Uncertain significance. Last evaluated: 2025-08-27. Review status: criteria provided, single submitter. Criteria: Ambry Variant Classification Scheme 2023. Collection method: clinical testing. Allele origin: germline.

Labcorp Genetics (formerly Invitae), Labcorp
Classification: Uncertain significance. Last evaluated: 2025-04-03. Review status: criteria provided, single submitter. Criteria: Invitae Variant Classification Sherloc (09022015). Collection method: clinical testing. Allele origin: germline.
Comment: This sequence change replaces alanine, which is neutral and non-polar, with glycine, which is neutral and non-polar, at codon 722 of the SIX5 protein (p.Ala722Gly). This variant is present in population databases (no rsID available, gnomAD 0.006%). This variant has not been reported in the literature in individuals affected with SIX5-related conditions. An algorithm developed to predict the effect of missense changes on protein structure and function (PolyPhen-2) suggests that this variant is likely to be tolerated. In summary, the available evidence is currently insufficient to determine the role of this variant in disease. Therefore, it has been classified as a Variant of Uncertain Significance.

NM_175875.5(SIX5):c.2165C>G (p.Ala722Gly)

Gene: SIX5 (SIX homeobox 5; minus strand). Cytogenetic location: 19q13.32.
Variant type: single nucleotide variant.
Coding change: c.2165C>G on transcript NM_175875.5 (MANE Select); coding-DNA position 2165, C replaced by G.
Protein change: p.Ala722Gly; replaces alanine 722 with glycine.
Molecular consequence: missense variant.
Genome position (GRCh38, 1-based): chr19:45,765,556, G>C on the plus strand (C>G on the coding strand, the complement: SIX5 is on the minus strand). VCF-style: chr19-45765556-G-C. GRCh37 (hg19) VCF-style: chr19-46268814-G-C.
Other names: short protein forms A722G.
Identifiers: ClinVar variation 4165656 (VCV004165656.3).